The following is an entry in ClinVar:

NM_001005242.3(PKP2):c.182A>G (p.Gln61Arg)

Gene: PKP2 (plakophilin 2; minus strand). Cytogenetic location: 12p11.21.
Variant type: single nucleotide variant.
Coding change: c.182A>G on transcript NM_001005242.3 (MANE Select); coding-DNA position 182, A replaced by G.
Protein change: p.Gln61Arg; replaces glutamine 61 with arginine.
Molecular consequence: missense variant. On other transcripts: 5 prime UTR variant (4).
Genome position (GRCh38, 1-based): chr12:32,896,550, T>C on the plus strand (A>G on the coding strand, the complement: PKP2 is on the minus strand). VCF-style: chr12-32896550-T-C. GRCh37 (hg19) VCF-style: chr12-33049484-T-C.
Other names: c.182A>G, p.Gln61Arg (NM_001407155.1, NM_001407156.1, NM_001407157.1 and 2 more transcripts); c.-645A>G (NM_001407158.1, NM_001407162.1); c.-409A>G (NM_001407159.1, NM_001407160.1); short protein forms Q61R.
Identifiers: ClinVar variation 2970844 (VCV002970844.3), dbSNP rs2138010161, ClinGen allele CA384370788.

ClinVar aggregate classification (germline): Uncertain significance (1 of 4 stars; one submission).

Conditions:
Arrhythmogenic right ventricular dysplasia 9 (ARVD9). Also called: Arrhythmogenic Right Ventricular Dysplasia/Cardiomyopathy 9; ARRHYTHMOGENIC RIGHT VENTRICULAR DYSPLASIA, FAMILIAL, 9. Identifiers: MedGen C1836906, MONDO:0012180, OMIM 609040.

Submission:

Labcorp Genetics (formerly Invitae), Labcorp
Classification: Uncertain significance for Arrhythmogenic right ventricular dysplasia 9. Last evaluated: 2022-11-15. Review status: criteria provided, single submitter. Criteria: Invitae Variant Classification Sherloc (09022015). Collection method: clinical testing. Allele origin: germline.
Comment: This variant is not present in population databases (gnomAD no frequency). This sequence change replaces glutamine, which is neutral and polar, with arginine, which is basic and polar, at codon 61 of the PKP2 protein (p.Gln61Arg). Algorithms developed to predict the effect of sequence changes on RNA splicing suggest that this variant may create or strengthen a splice site. Algorithms developed to predict the effect of missense changes on protein structure and function (SIFT, PolyPhen-2, Align-GVGD) all suggest that this variant is likely to be tolerated. This variant has not been reported in the literature in individuals affected with PKP2-related conditions. In summary, the available evidence is currently insufficient to determine the role of this variant in disease. Therefore, it has been classified as a Variant of Uncertain Significance.